The following is an entry in ClinVar:

NM_005251.3(FOXC2):c.382G>T (p.Glu128Ter)

Genes: FOXC2 (forkhead box C2; plus strand), FOXC2-AS1 (FOXC2 antisense RNA 1; minus strand). Cytogenetic location: 16q24.1.
Variant type: single nucleotide variant.
Coding change: c.382G>T on transcript NM_005251.3 (MANE Select); coding-DNA position 382, G replaced by T.
Protein change: p.Glu128Ter; replaces glutamic acid 128 with a stop codon.
Molecular consequence: nonsense. On other transcripts: non-coding transcript variant (1).
Genome position (GRCh38, 1-based): chr16:86,567,717, G>T. VCF-style: chr16-86567717-G-T. GRCh37 (hg19) VCF-style: chr16-86601323-G-T.
Other names: short protein forms E128*.
Identifiers: ClinVar variation 4734355 (VCV004734355.1).

ClinVar aggregate classification (germline): Pathogenic (1 of 4 stars; one submission).

Submission:

Labcorp Genetics (formerly Invitae), Labcorp
Classification: Pathogenic. Last evaluated: 2025-12-29. Review status: criteria provided, single submitter. Criteria: Invitae Variant Classification Sherloc (09022015). Collection method: clinical testing. Allele origin: germline.
Comment: This sequence change creates a premature translational stop signal (p.Glu128*) in the FOXC2 gene. While this is not anticipated to result in nonsense mediated decay, it is expected to disrupt the last 374 amino acid(s) of the FOXC2 protein. This variant is not present in population databases (gnomAD no frequency). This variant has not been reported in the literature in individuals affected with FOXC2-related conditions. This variant disrupts a region of the FOXC2 protein in which other variant(s) (p.Leu369Argfs*64) have been determined to be pathogenic (internal data). This suggests that this is a clinically significant region of the protein, and that variants that disrupt it are likely to be disease-causing. For these reasons, this variant has been classified as Pathogenic.